The following is an entry in ClinVar:

ClinVar aggregate classification (germline): Uncertain significance (1 of 4 stars; one submission).

Allele frequency attached by ClinVar (database versions not stated): gnomAD exomes below 0.00001.
gnomAD v4.1: 1 of 1,614,092 alleles (0.000062%); highest among the groups gnomAD compares: Non-Finnish European, 0.000085%; no homozygotes.

Submission:

Labcorp Genetics (formerly Invitae), Labcorp
Classification: Uncertain significance. Last evaluated: 2023-02-18. Review status: criteria provided, single submitter. Criteria: Invitae Variant Classification Sherloc (09022015). Collection method: clinical testing. Allele origin: germline.
Comment: This sequence change replaces glutamine, which is neutral and polar, with lysine, which is basic and polar, at codon 1159 of the EGF protein (p.Gln1159Lys). This variant is not present in population databases (gnomAD no frequency). In summary, the available evidence is currently insufficient to determine the role of this variant in disease. Therefore, it has been classified as a Variant of Uncertain Significance. An algorithm developed to predict the effect of missense changes on protein structure and function (PolyPhen-2) suggests that this variant is likely to be disruptive. This variant has not been reported in the literature in individuals affected with EGF-related conditions.

NM_001963.6(EGF):c.3475C>A (p.Gln1159Lys)

Gene: EGF (epidermal growth factor; plus strand). Cytogenetic location: 4q25.
Variant type: single nucleotide variant.
Coding change: c.3475C>A on transcript NM_001963.6 (MANE Select); coding-DNA position 3475, C replaced by A.
Protein change: p.Gln1159Lys; replaces glutamine 1159 with lysine.
Molecular consequence: missense variant. On other transcripts: synonymous variant (1).
Genome position (GRCh38, 1-based): chr4:110,011,306, C>A. VCF-style: chr4-110011306-C-A. GRCh37 (hg19) VCF-style: chr4-110932462-C-A.
Other names: c.3352C>A, p.Gln1118Lys (NM_001178130.3); c.3349C>A, p.Gln1117Lys (NM_001178131.3); c.3027C>A, p.Pro1009= (NM_001357021.2); short protein forms Q1118K, Q1159K, Q1117K.
Identifiers: ClinVar variation 2868192 (VCV002868192.3), dbSNP rs1753969844, ClinGen allele CA357875643.